The following is an entry in ClinVar:

NM_001040108.2(MLH3):c.3190C>G (p.Leu1064Val)

Gene: MLH3 (mutL homolog 3; minus strand). Cytogenetic location: 14q24.3.
Variant type: single nucleotide variant.
Coding change: c.3190C>G on transcript NM_001040108.2 (MANE Select); coding-DNA position 3190, C replaced by G.
Protein change: p.Leu1064Val; replaces leucine 1064 with valine.
Molecular consequence: missense variant.
Genome position (GRCh38, 1-based): chr14:75,046,466, G>C on the plus strand (C>G on the coding strand, the complement: MLH3 is on the minus strand). VCF-style: chr14-75046466-G-C. GRCh37 (hg19) VCF-style: chr14-75513169-G-C.
Other names: c.3190C>G, p.Leu1064Val (NM_014381.3); short protein forms L1064V.
Identifiers: ClinVar variation 935826 (VCV000935826.14), dbSNP rs774056235, ClinGen allele CA7275576.

ClinVar aggregate classification (germline): Uncertain significance. Review status: criteria provided, multiple submitters, no conflicts (2 of 4 stars). 2 submissions from 2 submitters: Uncertain significance (2). Last evaluated 2025-09-29.

Conditions:
Colorectal cancer, hereditary nonpolyposis, type 7. Identifiers: Orphanet 144, MedGen C1858380, MONDO:0013725, OMIM 614385.

Allele frequency attached by ClinVar (database versions not stated): ExAC 0.00001; gnomAD 0.00001; gnomAD exomes 0.00001 and 0.00002; TOPMed 0.00001.
gnomAD v4.1: 19 of 1,614,078 alleles (0.0012%); highest among the groups gnomAD compares: Non-Finnish European, 0.0012%; no homozygotes.

Submissions (2):

Ambry Genetics
Classification: Uncertain significance. Last evaluated: 2025-09-29. Review status: criteria provided, single submitter. Criteria: Ambry Variant Classification Scheme 2023. Collection method: clinical testing. Allele origin: germline.
Comment: The p.L1064V variant (also known as c.3190C>G), located in coding exon 1 of the MLH3 gene, results from a C to G substitution at nucleotide position 3190. The leucine at codon 1064 is replaced by valine, an amino acid with highly similar properties. This amino acid position is conserved. In addition, this alteration is predicted to be deleterious by in silico analysis. Since supporting evidence is limited at this time, the clinical significance of this alteration remains unclear.

Labcorp Genetics (formerly Invitae), Labcorp
Classification: Uncertain significance for Colorectal cancer, hereditary nonpolyposis, type 7. Last evaluated: 2023-07-08. Review status: criteria provided, single submitter. Criteria: Invitae Variant Classification Sherloc (09022015). Collection method: clinical testing. Allele origin: germline.
Comment: In summary, the available evidence is currently insufficient to determine the role of this variant in disease. Therefore, it has been classified as a Variant of Uncertain Significance. An algorithm developed to predict the effect of missense changes on protein structure and function (PolyPhen-2) suggests that this variant is likely to be disruptive. ClinVar contains an entry for this variant (Variation ID: 935826). This variant has not been reported in the literature in individuals affected with MLH3-related conditions. This variant is present in population databases (rs774056235, gnomAD 0.007%). This sequence change replaces leucine, which is neutral and non-polar, with valine, which is neutral and non-polar, at codon 1064 of the MLH3 protein (p.Leu1064Val).